The following is an entry in ClinVar:

NM_000089.4(COL1A2):c.334G>A (p.Gly112Ser)

Gene: COL1A2 (collagen type I alpha 2 chain; plus strand). Cytogenetic location: 7q21.3.
Variant type: single nucleotide variant.
Coding change: c.334G>A on transcript NM_000089.4 (MANE Select); coding-DNA position 334, G replaced by A.
Protein change: p.Gly112Ser; replaces glycine 112 with serine.
Molecular consequence: missense variant.
Genome position (GRCh38, 1-based): chr7:94,404,702, G>A. VCF-style: chr7-94404702-G-A. GRCh37 (hg19) VCF-style: chr7-94034014-G-A.
Other names: short protein forms G112S.
Identifiers: ClinVar variation 456830 (VCV000456830.10), dbSNP rs1554395411, ClinGen allele CA368219538.

ClinVar aggregate classification (germline): Likely pathogenic (1 of 4 stars; one submission).

Conditions:
Ehlers-Danlos syndrome, classic type, 1 (EDSCL1). Also called: EHLERS-DANLOS SYNDROME, GRAVIS TYPE; EHLERS-DANLOS SYNDROME, SEVERE CLASSIC TYPE; EDS I; Ehlers-Danlos Syndrome, Classic Type, COL5A1-Related; Ehlers-Danlos syndrome, type 1. Identifiers: MedGen C0268335, MONDO:0019567, OMIM 130000.
Osteogenesis imperfecta type I (OI1). Also called: OI, TYPE I; OSTEOGENESIS IMPERFECTA TARDA; OSTEOGENESIS IMPERFECTA WITH BLUE SCLERAE; Classic Non-deforming Osteogenesis Imperfecta with Blue Sclerae; Lobstein disease; Osteogenesis imperfecta type 1. Identifiers: Orphanet 216796, Orphanet 666, MedGen C0023931, MONDO:0008146, OMIM 166200. Disease mechanism: loss of function.

Submission:

Labcorp Genetics (formerly Invitae), Labcorp
Classification: Likely pathogenic for Osteogenesis imperfecta type I; Ehlers-Danlos syndrome, classic type, 1. Last evaluated: 2017-02-13. Review status: criteria provided, single submitter. Criteria: Invitae Variant Classification Sherloc (09022015). Collection method: clinical testing. Allele origin: germline.
Comment: This sequence change replaces glycine with serine at codon 112 of the COL1A2 protein (p.Gly112Ser). The glycine residue is highly conserved and there is a small physicochemical difference between glycine and serine. This variant is not present in population databases (ExAC no frequency) and has not been reported in the literature in individuals with a COL1A2-related disease. Glycine residues within the Gly-Xaa-Yaa repeats of the triple helix domain are required for the structure and stability of fibrillar collagens (PMID: 7695699, 8218237, 19344236). In COL1A2, missense variants at these glycine residues are significantly enriched in individuals with disease (PMID: 9016532, 17078022) compared to the general population (ExAC). In summary, this variant is a novel missense change affecting a residue that is known to be critical for normal protein structure, stability and function. This type of missense change is also highly enriched in affected individuals and expected to be pathogenic. However, without additional functional and/or genetic data, this variant has been classified as Likely Pathogenic. A different missense substitution at this codon (p.Gly112Asp) has been observed in a family affected with osteogensis imperfecta, and has been determined to be likely pathogenic (PMID: 26627451).

Literature cited by the submitters: PubMed 7695699; PubMed 8218237; PubMed 19344236; PubMed 9016532; PubMed 17078022; PubMed 26627451.